The following is an entry in ClinVar:

ClinVar aggregate classification (germline): Pathogenic. Review status: reviewed by expert panel (3 of 4 stars). 2 submissions from 2 submitters: Pathogenic (1). 1 of the submissions does not count toward it. Last evaluated 2017-12-15.

Conditions:
Breast-ovarian cancer, familial, susceptibility to, 1 (BROVCA1). Also called: BRCA1 Hereditary Breast and Ovarian Cancer; OVARIAN CANCER, SUSCEPTIBILITY TO. Identifiers: Orphanet 145, MedGen C2676676, MONDO:0011450, OMIM 604370. Disease mechanism: loss of function.
Hereditary breast ovarian cancer syndrome. Also called: Hereditary breast and ovarian cancer; Hereditary breast and ovarian cancer syndrome; Hereditary breast and ovarian cancer syndrome (HBOC); Breast and ovarian cancer; BRCA1- and BRCA2-Associated Hereditary Breast and Ovarian Cancer; Hereditary breast and/or ovarian cancer syndrome. Identifiers: Orphanet 145, MedGen C0677776, MeSH D061325, MONDO:0003582. Disease mechanism: loss of function.

Submissions (2):

Evidence-based Network for the Interpretation of Germline Mutant Alleles (ENIGMA)
Classification: Pathogenic for Breast-ovarian cancer, familial, susceptibility to, 1. Last evaluated: 2017-12-15. Review status: reviewed by expert panel. Criteria: ENIGMA BRCA1/2 Classification Criteria (2017-06-29). Collection method: curation. Allele origin: germline. Study: ENIGMA.
Comment: Variant allele predicted to encode a truncated non-functional protein.

Research Molecular Genetics Laboratory, Women's College Hospital, University of Toronto
Classification: Pathogenic for Hereditary breast ovarian cancer syndrome. Last evaluated: 2014-01-31. Review status: no assertion criteria provided. Collection method: research. Allele origin: germline. Affected: yes. Study: The Canadian Open Genetics Repository (COGR). Not counted in ClinVar's aggregate classification.

NM_007294.4(BRCA1):c.4394dup (p.Ser1466fs)

Gene: BRCA1 (BRCA1 DNA repair associated; minus strand). Cytogenetic location: 17q21.31.
Variant type: Duplication.
Coding change: c.4394dup on transcript NM_007294.4 (MANE Select); coding-DNA position 4394, one base duplicated (T; older notation c.4394dupT).
Protein change: p.Ser1466fs; shifts the reading frame from serine 1466.
Molecular consequence: frameshift variant. On other transcripts: non-coding transcript variant (1).
Genome position (GRCh38, 1-based): chr17:43,076,578, A duplicated on the plus strand (T on the coding strand, the reverse complement: BRCA1 is on the minus strand). VCF-style (leftmost placement, unchanged base first): chr17-43076577-T-TA. GRCh37 (hg19) VCF-style: chr17-41228594-T-TA.
Other names: c.4394dupT (NM_007294.3); c.4391dup, p.Ser1465Lysfs (NM_001407858.1, NM_001407859.1, NM_001407860.1 and 17 more transcripts); c.4388dup, p.Ser1464Lysfs (NM_001407861.1, NM_001407627.1, NM_001407628.1 and 14 more transcripts); c.4193dup, p.Ser1399Lysfs (NM_001407862.1); c.4268dup, p.Ser1424Lysfs (NM_001407863.1, NM_001407939.1, NM_001407940.1 and 11 more transcripts); c.4187dup, p.Ser1397Lysfs (NM_001407874.1, NM_001407875.1); c.4184dup, p.Ser1396Lysfs (NM_001407879.1, NM_001407881.1, NM_001407882.1 and 5 more transcripts); c.4181dup, p.Ser1395Lysfs (NM_001407894.1, NM_001407895.1, NM_001407896.1 and 12 more transcripts); and 72 more; short protein forms S1466fs, S362fs, S1419fs, S1487fs.
Identifiers: ClinVar variation 548269 (VCV000548269.2), dbSNP rs1555582670, ClinGen allele CA645373166.